The following is an entry in ClinVar:

ClinVar aggregate classification (germline): Uncertain significance (1 of 4 stars; one submission).

Allele frequency attached by ClinVar (database versions not stated): TOPMed 0.00001.

Submission:

Labcorp Genetics (formerly Invitae), Labcorp
Classification: Uncertain significance. Last evaluated: 2022-03-12. Review status: criteria provided, single submitter. Criteria: Invitae Variant Classification Sherloc (09022015). Collection method: clinical testing. Allele origin: germline.
Comment: This sequence change replaces glycine, which is neutral and non-polar, with valine, which is neutral and non-polar, at codon 2577 of the HMCN1 protein (p.Gly2577Val). This variant is not present in population databases (gnomAD no frequency). This variant has not been reported in the literature in individuals affected with HMCN1-related conditions. Algorithms developed to predict the effect of missense changes on protein structure and function are either unavailable or do not agree on the potential impact of this missense change (SIFT: "Deleterious"; PolyPhen-2: "Benign"; Align-GVGD: "Class C0"). In summary, the available evidence is currently insufficient to determine the role of this variant in disease. Therefore, it has been classified as a Variant of Uncertain Significance.

NM_031935.3(HMCN1):c.7730G>T (p.Gly2577Val)

Gene: HMCN1 (hemicentin 1; plus strand). Cytogenetic location: 1q31.1.
Variant type: single nucleotide variant.
Coding change: c.7730G>T on transcript NM_031935.3 (MANE Select); coding-DNA position 7730, G replaced by T.
Protein change: p.Gly2577Val; replaces glycine 2577 with valine.
Molecular consequence: missense variant.
Genome position (GRCh38, 1-based): chr1:186,067,858, G>T. VCF-style: chr1-186067858-G-T. GRCh37 (hg19) VCF-style: chr1-186036990-G-T.
Other names: short protein forms G2577V.
Identifiers: ClinVar variation 2109598 (VCV002109598.4), dbSNP rs1658226576, ClinGen allele CA343908171.
Genomic context (GRCh38, chr1:186,067,858, plus strand): 5'-ACATATATTTCTTCAACAAATTTTCATCTTTTTCAGTATCTCCTACAATTGCTGGTGTAG[G>T]TAGTGATGGCAACCCTGAAGATGTCACTGTCATCCTTAACAGCCCTACATCTTTGGTCTG-3'
Protein context (NP_114141.2, residues 2567-2587): VFVSPTIAGV[Gly2577Val]SDGNPEDVTV